The following is an entry in ClinVar:

NM_031407.7(HUWE1):c.10898C>T (p.Thr3633Ile)

Gene: HUWE1 (HECT, UBA and WWE domain containing E3 ubiquitin protein ligase 1; minus strand). Cytogenetic location: Xp11.22.
Variant type: single nucleotide variant.
Coding change: c.10898C>T on transcript NM_031407.7 (MANE Select); coding-DNA position 10898, C replaced by T.
Protein change: p.Thr3633Ile; replaces threonine 3633 with isoleucine.
Molecular consequence: missense variant.
Genome position (GRCh38, 1-based): chrX:53,546,453, G>A on the plus strand (C>T on the coding strand, the complement: HUWE1 is on the minus strand). VCF-style: chrX-53546453-G-A. GRCh37 (hg19) VCF-style: chrX-53573414-G-A.
Other names: short protein forms T3633I.
Identifiers: ClinVar variation 1336433 (VCV001336433.4), dbSNP rs781873282, ClinGen allele CA10421458.

ClinVar aggregate classification (germline): Likely benign (1 of 4 stars; one submission).

Allele frequency attached by ClinVar (database versions not stated): ExAC 0.00004; gnomAD exomes 0.00001 and 0.00002.
gnomAD v4.1: 9 of 1,210,358 alleles (0.00074%); highest among the groups gnomAD compares: Non-Finnish European, 0.001%; no homozygotes.

Submission:

Genetic Services Laboratory, University of Chicago
Classification: Likely benign. Last evaluated: 2021-03-29. Review status: criteria provided, single submitter. Criteria: ACMG Guidelines, 2015. Collection method: clinical testing. Allele origin: germline. Affected: no.
Comment: DNA sequence analysis of the HUWE1 gene demonstrated a sequence change, c.10898C>T, in exon 70 that results in an amino acid change, p.Thr3633Ile. This sequence change does not appear to have been previously described in patients with HUWE1-related disorders and has been described in the gnomAD database with a low population frequency of 0.005% in the European (non-Finnish) population (dbSNP rs781873282). The p.Thr3633Ile change affects a highly conserved amino acid residue located in a domain of the HUWE1 protein that is not known to be functional. In-silico pathogenicity prediction tools (SIFT, PolyPhen2, Align GVGD, REVEL) provide contradictory results for the p.Thr3633Ile substitution. However functional studies have not been performed to prove this conclusively.